The following is an entry in ClinVar:

ClinVar aggregate classification (germline): Uncertain significance (0 of 4 stars; one submission).

Conditions:
ABCB11-related disorder. Also called: ABCB11-related condition.

Allele frequency attached by ClinVar (database versions not stated): gnomAD exomes below 0.00001; TOPMed 0.00001.
gnomAD v4.1: 2 of 1,613,066 alleles (0.00012%); highest among the groups gnomAD compares: Non-Finnish European, 0.000085%; no homozygotes.

Submission:

PreventionGenetics, part of Exact Sciences
Classification: Uncertain significance for ABCB11-related condition. Last evaluated: 2024-02-08. Review status: no assertion criteria provided. Collection method: clinical testing. Allele origin: germline.
Comment: The ABCB11 c.1739T>C variant is predicted to result in the amino acid substitution p.Leu580Pro. To our knowledge, this variant has not been reported in the literature or in a large population database, indicating this variant is rare. At this time, the clinical significance of this variant is uncertain due to the absence of conclusive functional and genetic evidence.

NM_003742.4(ABCB11):c.1739T>C (p.Leu580Pro)

Gene: ABCB11 (ATP binding cassette subfamily B member 11; minus strand). Cytogenetic location: 2q31.1.
Variant type: single nucleotide variant.
Coding change: c.1739T>C on transcript NM_003742.4 (MANE Select); coding-DNA position 1739, T replaced by C.
Protein change: p.Leu580Pro; replaces leucine 580 with proline.
Molecular consequence: missense variant.
Genome position (GRCh38, 1-based): chr2:168,970,115, A>G on the plus strand (T>C on the coding strand, the complement: ABCB11 is on the minus strand). VCF-style: chr2-168970115-A-G. GRCh37 (hg19) VCF-style: chr2-169826625-A-G.
Other names: short protein forms L580P.
Identifiers: ClinVar variation 3061325 (VCV003061325.2), dbSNP rs980599728, ClinGen allele CA59880148.